The following is an entry in ClinVar:

NM_001267550.2(TTN):c.66576dup (p.Val22193fs)

Genes: TTN-AS1 (TTN antisense RNA 1; plus strand), TTN (titin; minus strand). Cytogenetic location: 2q31.2.
Variant type: Duplication.
Coding change: c.66576dup on transcript NM_001267550.2 (MANE Select); coding-DNA position 66576, one base duplicated (C; older notation c.66576dupC).
Protein change: p.Val22193fs; shifts the reading frame from valine 22193.
Molecular consequence: frameshift variant.
Genome position (GRCh38, 1-based): chr2:178,581,692, G duplicated on the plus strand (C on the coding strand, the reverse complement: TTN is on the minus strand). VCF-style (leftmost placement, unchanged base first): chr2-178581691-C-CG. GRCh37 (hg19) VCF-style: chr2-179446418-C-CG.
Other names: c.61653dup, p.Val20552fs (NM_001256850.1); c.39381dup, p.Val13128fs (NM_003319.4); c.58872dup, p.Val19625fs (NM_133378.4); c.39756dup, p.Val13253fs (NM_133432.3); c.39957dup, p.Val13320fs (NM_133437.4); short protein forms V13253fs, V13128fs, V13320fs, V19625fs, V20552fs, V22193fs.
Identifiers: ClinVar variation 1350054 (VCV001350054.6), dbSNP rs2154177519, ClinGen allele CA2573134173.

ClinVar aggregate classification (germline): Likely pathogenic (1 of 4 stars; one submission).

Conditions:
Dilated cardiomyopathy 1G (CMD1G). Identifiers: Orphanet 154, MedGen C1858763, MONDO:0011400, OMIM 604145.
Autosomal recessive limb-girdle muscular dystrophy type 2J (LGMDR10). Also called: Limb-girdle muscular dystrophy, type 2J; MUSCULAR DYSTROPHY, LIMB-GIRDLE, AUTOSOMAL RECESSIVE 10. Identifiers: Orphanet 140922, MedGen C1837342, MONDO:0012127, OMIM 608807.

Submission:

Labcorp Genetics (formerly Invitae), Labcorp
Classification: Likely pathogenic for Dilated cardiomyopathy 1G; Autosomal recessive limb-girdle muscular dystrophy type 2J. Last evaluated: 2021-11-01. Review status: criteria provided, single submitter. Criteria: Invitae Variant Classification Sherloc (09022015). Collection method: clinical testing. Allele origin: germline.
Comment: In summary, the currently available evidence indicates that the variant is pathogenic, but additional data are needed to prove that conclusively. Therefore, this variant has been classified as Likely Pathogenic. This variant is located in the A band of TTN (PMID: 25589632). Truncating variants in this region are significantly overrepresented in patients affected with dilated cardiomyopathy (PMID: 25589632). Truncating variants in this region have also been reported in individuals affected with autosomal recessive centronuclear myopathy (PMID: 23975875). This variant has not been reported in the literature in individuals affected with TTN-related conditions. This variant is not present in population databases (gnomAD no frequency). This sequence change creates a premature translational stop signal (p.Val22193Argfs*2) in the TTN gene. While this is not anticipated to result in nonsense mediated decay, it is expected to create a truncated TTN protein.

Literature cited by the submitters: PubMed 25589632; PubMed 23975875.